The following is an entry in ClinVar:

NM_181458.4(PAX3):c.321+91G>T

Gene: PAX3 (paired box 3; minus strand). Cytogenetic location: 2q36.1.
Variant type: single nucleotide variant.
Coding change: c.321+91G>T on transcript NM_181458.4 (MANE Select); 91 bases into the intron after coding-DNA position 321, G replaced by T.
Molecular consequence: intron variant.
Genome position (GRCh38, 1-based): chr2:222,296,887, C>A on the plus strand (G>T on the coding strand, the complement: PAX3 is on the minus strand). VCF-style: chr2-222296887-C-A. GRCh37 (hg19) VCF-style: chr2-223161606-C-A.
Other names: c.321+91G>T (NM_001127366.3, NM_181460.4, NM_181461.4 and 4 more transcripts).
Identifiers: ClinVar variation 682675 (VCV000682675.2), dbSNP rs13405641, ClinGen allele CA11138785.

ClinVar aggregate classification (germline): Benign. Review status: criteria provided, multiple submitters, no conflicts (2 of 4 stars). 2 submissions from 2 submitters: Benign (2). Last evaluated 2018-06-14.

Allele frequency attached by ClinVar (database versions not stated): 1000 Genomes Project 0.08966; 1000 Genomes Project 30x 0.09275; gnomAD 0.16078 and 0.16691; TOPMed 0.16344.
gnomAD v4.1: 171,825 of 1,039,036 alleles (17%); highest among the groups gnomAD compares: Non-Finnish European, 19%; 16,176 homozygotes.

Submissions (2):

GeneDx
Classification: Benign. Last evaluated: 2018-06-14. Review status: criteria provided, single submitter. Criteria: GeneDx Variant Classification (06012015). Collection method: clinical testing. Allele origin: germline. Affected: yes.
Comment: This variant is considered likely benign or benign based on one or more of the following criteria: it is a conservative change, it occurs at a poorly conserved position in the protein, it is predicted to be benign by multiple in silico algorithms, and/or has population frequency not consistent with disease.

Breakthrough Genomics
Classification: Benign. Review status: criteria provided, single submitter. Criteria: ACMG Guidelines, 2015. Collection method: not provided. Allele origin: germline. Inheritance: Autosomal recessive inheritance. Affected: yes.